The following is an entry in ClinVar:

ClinVar aggregate classification (germline): Uncertain significance (1 of 4 stars; one submission).

Allele frequency attached by ClinVar (database versions not stated): gnomAD exomes below 0.00001.
gnomAD v4.1: 2 of 1,211,822 alleles (0.00017%); highest among the groups gnomAD compares: Non-Finnish European, 0.00022%; no homozygotes.

Submission:

CeGaT Center for Human Genetics Tuebingen
Classification: Uncertain significance. Last evaluated: 2022-05-01. Review status: criteria provided, single submitter. Criteria: CeGaT Center For Human Genetics Tuebingen Variant Classification Criteria Version 2. Collection method: clinical testing. Allele origin: germline. Affected: yes. Observed: 1 variant allele.
Comment: ATRX: PM2, PP2

NM_000489.6(ATRX):c.7309A>C (p.Met2437Leu)

Gene: ATRX (ATRX chromatin remodeler; minus strand). Cytogenetic location: Xq21.1.
Variant type: single nucleotide variant.
Coding change: c.7309A>C on transcript NM_000489.6 (MANE Select); coding-DNA position 7309, A replaced by C.
Protein change: p.Met2437Leu; replaces methionine 2437 with leucine.
Molecular consequence: missense variant.
Genome position (GRCh38, 1-based): chrX:77,508,521, T>G on the plus strand (A>C on the coding strand, the complement: ATRX is on the minus strand). VCF-style: chrX-77508521-T-G. GRCh37 (hg19) VCF-style: chrX-76763999-T-G.
Other names: c.7195A>C, p.Met2399Leu (NM_138270.5); short protein forms M2399L, M2437L.
Identifiers: ClinVar variation 2660955 (VCV002660955.24), dbSNP rs2147650251, ClinGen allele CA413704567.